The following is an entry in ClinVar:

ClinVar aggregate classification (germline): Likely pathogenic (1 of 4 stars; one submission).

Conditions:
Periventricular nodular heterotopia (PVNH). Identifiers: Orphanet 98892, MedGen C1868720, MeSH D054091, MONDO:0020341, HP:0032388.

Submission:

Victorian Clinical Genetics Services, Murdoch Childrens Research Institute
Classification: Likely pathogenic for Periventricular nodular heterotopia. Last evaluated: 2020-05-01. Review status: criteria provided, single submitter. Criteria: ACMG Guidelines, 2015. Collection method: clinical testing. Allele origin: germline. Affected: yes.
Comment: Based on the classification scheme VCGS_Germline_v1.1.1, this variant is classified as Likely pathogenic. Following criteria are met: 0103 - Both loss- and gain-of-function are known mechanisms of disease for this gene. (N) 0108 - This gene is known to be associated with both recessive and dominant disease. (N) 0200 - Variant is predicted to result in a missense amino acid change from a glycine to a cysteine (exon 3). (N) 0251 - Variant is heterozygous. (N) 0301 - Variant is absent from gnomAD. (P) 0501 - Missense variant consistently predicted to be damaging by multiple in silico tools or highly conserved with a major amino acid change. (P) 0505 - Abnormal splicing is predicted by in silico tools and affected nucleotide is highly conserved. (P) 0600 - Variant is located in an annotated domain or motif (Calponin homology domain; PDB, Uniprot, Decipher). (N) 0603 - Missense variant in a region that is highly intolerant to missense variation (high constraint region). (P) 0704 - Comparable variant has low previous evidence for pathogenicity (ClinVar, Parrini, E., et al. (2015). (P) 0807 - Variant has not previously been reported in a clinical context. (N) 0905 - No segregation evidence has been identified for this variant. (N) 1007 - No published functional evidence has been identified for this variant. (N) 1101 - Very strong and specific phenotype match. (N) Legend: (P) - Pathogenic, (N) - Neutral, (B) - Benign

Literature cited by the submitters: PubMed 25755106.

NM_001110556.2(FLNA):c.622G>T (p.Gly208Cys)

Gene: FLNA (filamin A; minus strand). Cytogenetic location: Xq28.
Variant type: single nucleotide variant.
Coding change: c.622G>T on transcript NM_001110556.2 (MANE Select); coding-DNA position 622, G replaced by T.
Protein change: p.Gly208Cys; replaces glycine 208 with cysteine.
Molecular consequence: missense variant.
Genome position (GRCh38, 1-based): chrX:154,367,842, C>A on the plus strand (G>T on the coding strand, the complement: FLNA is on the minus strand). VCF-style: chrX-154367842-C-A. GRCh37 (hg19) VCF-style: chrX-153596210-C-A.
Other names: c.622G>T, p.Gly208Cys (NM_001456.4); short protein forms G208C.
Identifiers: ClinVar variation 3376601 (VCV003376601.1).